The following is an entry in ClinVar:

NM_003098.3(SNTA1):c.1498C>T (p.Arg500Cys)

Gene: SNTA1 (syntrophin alpha 1; minus strand). Cytogenetic location: 20q11.21.
Variant type: single nucleotide variant.
Coding change: c.1498C>T on transcript NM_003098.3 (MANE Select); coding-DNA position 1498, C replaced by T.
Protein change: p.Arg500Cys; replaces arginine 500 with cysteine.
Molecular consequence: missense variant.
Genome position (GRCh38, 1-based): chr20:33,408,527, G>A on the plus strand (C>T on the coding strand, the complement: SNTA1 is on the minus strand). VCF-style: chr20-33408527-G-A. GRCh37 (hg19) VCF-style: chr20-31996333-G-A.
Other names: short protein forms R500C.
Identifiers: ClinVar variation 191506 (VCV000191506.11), dbSNP rs786205426, ClinGen allele CA204270.
Genomic context (GRCh38, chr20:33,408,527, plus strand): 5'-CATGGACACCCCTCTTCAGGGCTAGTGCATCCGGCGACTTCTAGGCCAACAGCCCGAGGC[G>A]GGTGACTTTGGCCGACAGGAAGGAGTGGATGATGAAGACTATGGTTTTGGGACACGAGTG-3'
Protein context (NP_003089.1, residues 490-505): IHSFLSAKVT[Arg500Cys]LGLLA

ClinVar aggregate classification (germline): Uncertain significance. Review status: criteria provided, multiple submitters, no conflicts (2 of 4 stars). 4 submissions from 4 submitters: Uncertain significance (3). 1 of the submissions does not count toward it. Last evaluated 2025-10-19.

Conditions:
Long QT syndrome (LQTS). Identifiers: MedGen C0023976, MeSH D008133, MONDO:0002442. Disease mechanism: loss of function. Inheritance: Various modes of inheritance.
Long QT syndrome 12 (LQT12). Identifiers: Orphanet 101016, Orphanet 768, MedGen C2751830, MONDO:0013062, OMIM 612955.

Allele frequency attached by ClinVar (database versions not stated): gnomAD exomes below 0.00001 and 0.00001; gnomAD 0.00001; TOPMed 0.00002.
gnomAD v4.1: 22 of 1,613,688 alleles (0.0014%); highest among the groups gnomAD compares: East Asian, 0.025%; no homozygotes.

Submissions (4):

Labcorp Genetics (formerly Invitae), Labcorp
Classification: Uncertain significance for Long QT syndrome. Last evaluated: 2025-10-19. Review status: criteria provided, single submitter. Criteria: Invitae Variant Classification Sherloc (09022015). Collection method: clinical testing. Allele origin: germline.
Comment: This sequence change replaces arginine, which is basic and polar, with cysteine, which is neutral and slightly polar, at codon 500 of the SNTA1 protein (p.Arg500Cys). This variant is present in population databases (rs786205426, gnomAD 0.006%). This missense change has been observed in individual(s) with long QT syndrome (PMID: 26132555). ClinVar contains an entry for this variant (Variation ID: 191506). Invitae Evidence Modeling of protein sequence and biophysical properties (such as structural, functional, and spatial information, amino acid conservation, physicochemical variation, residue mobility, and thermodynamic stability) indicates that this missense variant is expected to disrupt SNTA1 protein function with a positive predictive value of 80%. In summary, the available evidence is currently insufficient to determine the role of this variant in disease. Therefore, it has been classified as a Variant of Uncertain Significance.

Fulgent Genetics
Classification: Uncertain significance for Long QT syndrome 12. Last evaluated: 2021-10-11. Review status: criteria provided, single submitter. Criteria: ACMG Guidelines, 2015. Collection method: clinical testing. Allele origin: unknown.

Biesecker Lab/Clinical Genomics Section, National Institutes of Health
Classification: Uncertain significance. Last evaluated: 2013-06-24. Review status: criteria provided, single submitter. Criteria: Ng et al. (Circ Cardiovasc Genet. 2013). Collection method: research. Allele origin: unknown. Observed: 1 variant allele. Study: ClinSeq.
Comment: The study set was not selected for affection status in relation to any cancer. Pathogenicity categories were based on literature curation. See Pubmed ID:23861362 for details.

Medical sequencing

Medical Research Institute, Tokyo Medical and Dental University
Classification: Likely pathogenic for Long QT syndrome. Review status: no assertion criteria provided. Collection method: research. Allele origin: germline. Affected: yes. Not counted in ClinVar's aggregate classification.

Literature cited by the submitters: PubMed 26132555 (cited by Labcorp Genetics (formerly Invitae), Labcorp and Medical Research Institute, Tokyo Medical and Dental University).